The following is an entry in ClinVar:

NM_000046.5(ARSB):c.293T>C (p.Leu98Pro)

Genes: ARSB (arylsulfatase B; minus strand), LOC129994126 (ATAC-STARR-seq lymphoblastoid silent region 16127; plus strand). Cytogenetic location: 5q14.1.
Variant type: single nucleotide variant.
Coding change: c.293T>C on transcript NM_000046.5 (MANE Select); coding-DNA position 293, T replaced by C.
Protein change: p.Leu98Pro; replaces leucine 98 with proline.
Molecular consequence: missense variant.
Genome position (GRCh38, 1-based): chr5:78,984,956, A>G on the plus strand (T>C on the coding strand, the complement: ARSB is on the minus strand). VCF-style: chr5-78984956-A-G. GRCh37 (hg19) VCF-style: chr5-78280779-A-G.
Other names: c.293T>C, p.Leu98Pro (NM_198709.3); short protein forms L98P.
Identifiers: ClinVar variation 559764 (VCV000559764.2), dbSNP rs1554032090, ClinGen allele CA360196359.

ClinVar aggregate classification (germline): Conflicting classifications of pathogenicity. Review status: criteria provided, conflicting classifications (1 of 4 stars). 2 submissions from 2 submitters: Likely pathogenic (1); Uncertain significance (1). Last evaluated 2025-06-09.

Conditions:
Mucopolysaccharidosis type 6 (MPS6). Also called: N-ACETYLGALACTOSAMINE-4-SULFATASE DEFICIENCY; MPS VI; MPS 6; Maroteaux Lamy syndrome; ARSB DEFICIENCY; ARYLSULFATASE B DEFICIENCY. Identifiers: Orphanet 583, MedGen C0026709, MONDO:0009661, OMIM 253200.

Allele frequency attached by ClinVar (database versions not stated): gnomAD 0.00001.

Submissions (2):

Natera, Inc.
Classification: Likely pathogenic for Mucopolysaccharidosis type VI. Last evaluated: 2025-06-09. Review status: criteria provided, single submitter. Criteria: Natera Variant Classification Schema (03/2026). Collection method: clinical testing. Allele origin: germline.
Comment: The c.293T>C variant in ARSB is a missense variant predicted to cause substitution of leucine to proline at amino acid 98. This variant is rare in the general population with a frequency below the threshold expected for the associated phenotype(s). This variant has been observed in one or more individuals affected with the associated recessive disease, as either homozygous or compound heterozygous with a second variant (PMID: 35118118). Computational prediction algorithms indicate this variant is likely to affect gene or protein function. Given the available evidence, this variant is classified as Likely Pathogenic.

Laboratory of Diagnosis and Therapy of Lysosomal Disorders, University of Padova
Classification: Uncertain significance for Mucopolysaccharidosis type 6. Last evaluated: 2018-01-01. Review status: criteria provided, single submitter. Criteria: ACMG Guidelines, 2015. Collection method: curation. Allele origin: germline. Affected: yes.
Comment: Absent from GnomAD (PM2)

Literature cited by the submitters: PubMed 35118118 (cited by Natera, Inc.); PubMed 24798265 (cited by Laboratory of Diagnosis and Therapy of Lysosomal Disorders, University of Padova); PubMed 10923267 (cited by Laboratory of Diagnosis and Therapy of Lysosomal Disorders, University of Padova); PubMed 30118150 (cited by Laboratory of Diagnosis and Therapy of Lysosomal Disorders, University of Padova).